The following is an entry in ClinVar:

NM_004360.5(CDH1):c.2168T>A (p.Leu723Gln)

Gene: CDH1 (cadherin 1; plus strand). Cytogenetic location: 16q22.1.
Variant type: single nucleotide variant.
Coding change: c.2168T>A on transcript NM_004360.5 (MANE Select); coding-DNA position 2168, T replaced by A.
Protein change: p.Leu723Gln; replaces leucine 723 with glutamine.
Molecular consequence: missense variant.
Genome position (GRCh38, 1-based): chr16:68,828,177, T>A. VCF-style: chr16-68828177-T-A. GRCh37 (hg19) VCF-style: chr16-68862080-T-A.
Other names: c.1985T>A, p.Leu662Gln (NM_001317184.2); c.620T>A, p.Leu207Gln (NM_001317185.2); c.203T>A, p.Leu68Gln (NM_001317186.2); short protein forms L207Q, L662Q, L68Q, L723Q.
Identifiers: ClinVar variation 1804763 (VCV001804763.5), dbSNP rs2152141374, ClinGen allele CA396469247.

ClinVar aggregate classification (germline): Uncertain significance. Review status: criteria provided, multiple submitters, no conflicts (2 of 4 stars). 3 submissions from 3 submitters: Uncertain significance (3). Last evaluated 2024-11-25.

Conditions:
Hereditary cancer-predisposing syndrome. Also called: Neoplastic Syndromes, Hereditary; Hereditary neoplastic syndrome; Hereditary Cancer Syndrome; Tumor predisposition. Identifiers: Orphanet 140162, MedGen C0027672, MeSH D009386, MONDO:0015356.
Familial cancer of breast. Also called: Hereditary breast cancer; BREAST CANCER, FAMILIAL; hereditary breast carcinoma. Identifiers: Orphanet 227535, MedGen C0346153, MONDO:0016419, OMIM 114480. Disease mechanism: loss of function.

Submissions (3):

Ambry Genetics
Classification: Uncertain significance for Hereditary cancer-predisposing syndrome. Last evaluated: 2024-11-25. Review status: criteria provided, single submitter. Criteria: Ambry Variant Classification Scheme 2023. Collection method: clinical testing. Allele origin: germline.
Comment: The p.L723Q variant (also known as c.2168T>A), located in coding exon 14 of the CDH1 gene, results from a T to A substitution at nucleotide position 2168. The leucine at codon 723 is replaced by glutamine, an amino acid with dissimilar properties. This nucleotide position is highly conserved in available vertebrate species. In silico splice site analysis predicts that this alteration will result in the creation or strengthening of a novel splice acceptor site; however, direct evidence is insufficient at this time (Ambry internal data). This amino acid position is highly conserved in available vertebrate species. In addition, as a missense substitution, this alteration is predicted to be deleterious by in silico analysis. Based on the available evidence, the clinical significance of this variant remains unclear.

Baylor Genetics
Classification: Uncertain significance for Familial cancer of breast. Last evaluated: 2024-03-20. Review status: criteria provided, single submitter. Criteria: ACMG Guidelines, 2015. Collection method: clinical testing. Allele origin: unknown.

Women's Health and Genetics/Laboratory Corporation of America, LabCorp
Classification: Uncertain significance. Last evaluated: 2022-11-05. Review status: criteria provided, single submitter. Criteria: LabCorp Variant Classification Summary - May 2015. Collection method: clinical testing. Allele origin: germline.